The following is an entry in ClinVar:

ClinVar aggregate classification (germline): Uncertain significance (1 of 4 stars; one submission).

Conditions:
Inborn genetic diseases. Identifiers: MedGen C0950123, MeSH D030342.

Submission:

Ambry Genetics
Classification: Uncertain significance for Inborn genetic diseases. Last evaluated: 2026-01-14. Review status: criteria provided, single submitter. Criteria: Ambry Variant Classification Scheme 2023. Collection method: clinical testing. Allele origin: germline.
Comment: The p.P180R variant (also known as c.539C>G), located in coding exon 1 of the CEBPA gene, results from a C to G substitution at nucleotide position 539. The proline at codon 180 is replaced by arginine, an amino acid with dissimilar properties. This amino acid position is conserved. In addition, this alteration is predicted to be tolerated by in silico analysis. Based on the available evidence, the clinical significance of this variant remains unclear.

NM_004364.5(CEBPA):c.539C>G (p.Pro180Arg)

Gene: CEBPA (CCAAT enhancer binding protein alpha; minus strand). Cytogenetic location: 19q13.11.
Variant type: single nucleotide variant.
Coding change: c.539C>G on transcript NM_004364.5 (MANE Select); coding-DNA position 539, C replaced by G.
Protein change: p.Pro180Arg; replaces proline 180 with arginine.
Molecular consequence: missense variant.
Genome position (GRCh38, 1-based): chr19:33,301,876, G>C on the plus strand (C>G on the coding strand, the complement: CEBPA is on the minus strand). VCF-style: chr19-33301876-G-C. GRCh37 (hg19) VCF-style: chr19-33792782-G-C.
Other names: c.182C>G, p.Pro61Arg (NM_001285829.2); c.644C>G, p.Pro215Arg (NM_001287424.2); c.497C>G, p.Pro166Arg (NM_001287435.2); short protein forms P180R, P215R, P166R, P61R.
Identifiers: ClinVar variation 4843304 (VCV004843304.1).
Genomic context (GRCh38, chr19:33,301,876, plus strand): 5'-TGCGCGGGCGGCGGGTGCGGGTGCGGGTGCGAGGGCGGCGGCGGCGGCGGCGGCTGGTAA[G>C]GGAAGAGGCCGGCCAGCGCCAGCTGCTTGGCTTCATCCTCCTCGCGGGGCTCCTGCTTGA-3'
Protein context (NP_004355.2, residues 170-190): AKQLALAGLF[Pro180Arg]YQPPPPPPPS